The following is an entry in ClinVar:

ClinVar aggregate classification (germline): Uncertain significance. Review status: criteria provided, multiple submitters, no conflicts (2 of 4 stars). 2 submissions from 2 submitters: Uncertain significance (2). Last evaluated 2024-04-25.

Allele frequency attached by ClinVar (database versions not stated): ExAC 0.00001; gnomAD 0.00001; gnomAD exomes 0.00001; TOPMed 0.00003.

Submissions (2):

Labcorp Genetics (formerly Invitae), Labcorp
Classification: Uncertain significance. Last evaluated: 2024-04-25. Review status: criteria provided, single submitter. Criteria: Invitae Variant Classification Sherloc (09022015). Collection method: clinical testing. Allele origin: germline.
Comment: This sequence change replaces arginine, which is basic and polar, with glutamine, which is neutral and polar, at codon 140 of the PSMG2 protein (p.Arg140Gln). This variant is present in population databases (rs779100619, gnomAD 0.003%). This variant has not been reported in the literature in individuals affected with PSMG2-related conditions. ClinVar contains an entry for this variant (Variation ID: 1904756). An algorithm developed to predict the effect of missense changes on protein structure and function (PolyPhen-2) suggests that this variant is likely to be disruptive. In summary, the available evidence is currently insufficient to determine the role of this variant in disease. Therefore, it has been classified as a Variant of Uncertain Significance.

Blueprint Genetics
Classification: Uncertain significance. Last evaluated: 2022-04-26. Review status: criteria provided, single submitter. Criteria: ACMG Guidelines, 2015. Collection method: clinical testing. Allele origin: germline.

NM_020232.5(PSMG2):c.419G>A (p.Arg140Gln)

Gene: PSMG2 (proteasome assembly chaperone 2; plus strand). Cytogenetic location: 18p11.21.
Variant type: single nucleotide variant.
Coding change: c.419G>A on transcript NM_020232.5 (MANE Select); coding-DNA position 419, G replaced by A.
Protein change: p.Arg140Gln; replaces arginine 140 with glutamine.
Molecular consequence: missense variant.
Genome position (GRCh38, 1-based): chr18:12,720,521, G>A. VCF-style: chr18-12720521-G-A. GRCh37 (hg19) VCF-style: chr18-12720520-G-A.
Other names: c.326G>A, p.Arg109Gln (NM_147163.2); short protein forms R140Q, R109Q.
Identifiers: ClinVar variation 1904756 (VCV001904756.6), dbSNP rs779100619, ClinGen allele CA8898405.
Genomic context (GRCh38, chr18:12,720,521, plus strand): 5'-GATGTTTGCTTTAGAGTTTTTAAAAAGTTAACTATATGATTATTTCTAGTACTCCCTTCC[G>A]GTACCTACTTACACCTTCCATGCAAAAAAGTGTTCAAAATAAAATAAAGAGCCTTAACTG-3'
Protein context (NP_064617.2, residues 130-150): NDLQLRSTPF[Arg140Gln]YLLTPSMQKS